The following is an entry in ClinVar:

ClinVar aggregate classification (germline): Uncertain significance (1 of 4 stars; one submission).

Allele frequency attached by ClinVar (database versions not stated): gnomAD exomes below 0.00001; gnomAD 0.00001.
gnomAD v4.1: 7 of 1,598,786 alleles (0.00044%); highest among the groups gnomAD compares: Admixed American, 0.0069%; no homozygotes.

Submission:

Labcorp Genetics (formerly Invitae), Labcorp
Classification: Uncertain significance. Last evaluated: 2025-11-17. Review status: criteria provided, single submitter. Criteria: Invitae Variant Classification Sherloc (09022015). Collection method: clinical testing. Allele origin: germline.
Comment: This sequence change replaces serine, which is neutral and polar, with threonine, which is neutral and polar, at codon 286 of the GATA5 protein (p.Ser286Thr). The frequency data for this variant in the population databases is considered unreliable, as metrics indicate poor data quality at this position in the gnomAD database. This variant has not been reported in the literature in individuals affected with GATA5-related conditions. ClinVar contains an entry for this variant (Variation ID: 2076126). Invitae Evidence Modeling of protein sequence and biophysical properties (such as structural, functional, and spatial information, amino acid conservation, physicochemical variation, residue mobility, and thermodynamic stability) indicates that this missense variant is not expected to disrupt GATA5 protein function with a negative predictive value of 80%. In summary, the available evidence is currently insufficient to determine the role of this variant in disease. Therefore, it has been classified as a Variant of Uncertain Significance.

NM_080473.5(GATA5):c.857G>C (p.Ser286Thr)

Gene: GATA5 (GATA binding protein 5; minus strand). Cytogenetic location: 20q13.33.
Variant type: single nucleotide variant.
Coding change: c.857G>C on transcript NM_080473.5 (MANE Select); coding-DNA position 857, G replaced by C.
Protein change: p.Ser286Thr; replaces serine 286 with threonine.
Molecular consequence: missense variant.
Genome position (GRCh38, 1-based): chr20:62,465,890, C>G on the plus strand (G>C on the coding strand, the complement: GATA5 is on the minus strand). VCF-style: chr20-62465890-C-G. GRCh37 (hg19) VCF-style: chr20-61040946-C-G.
Other names: short protein forms S286T.
Identifiers: ClinVar variation 2076126 (VCV002076126.4), dbSNP rs1555896035, ClinGen allele CA409553490.